The following is an entry in ClinVar:

ClinVar aggregate classification (germline): Uncertain significance (1 of 4 stars; one submission).

Conditions:
Werner syndrome (WRN). Identifiers: Orphanet 902, MedGen C0043119, MONDO:0010196, OMIM 277700.

Allele frequency attached by ClinVar (database versions not stated): TOPMed 0.00001.
gnomAD v4.1: 8 of 1,612,758 alleles (0.0005%); highest among the groups gnomAD compares: African/African-American, 0.011%; no homozygotes.

Submission:

Labcorp Genetics (formerly Invitae), Labcorp
Classification: Uncertain significance for Werner syndrome. Last evaluated: 2023-11-14. Review status: criteria provided, single submitter. Criteria: Invitae Variant Classification Sherloc (09022015). Collection method: clinical testing. Allele origin: germline.
Comment: This sequence change replaces isoleucine, which is neutral and non-polar, with valine, which is neutral and non-polar, at codon 595 of the WRN protein (p.Ile595Val). This variant is present in population databases (no rsID available, gnomAD 0.02%). This variant has not been reported in the literature in individuals affected with WRN-related conditions. ClinVar contains an entry for this variant (Variation ID: 863637). Algorithms developed to predict the effect of missense changes on protein structure and function output the following: SIFT: "Not Available"; PolyPhen-2: "Possibly Damaging"; Align-GVGD: "Not Available". The valine amino acid residue is found in multiple mammalian species, which suggests that this missense change does not adversely affect protein function. In summary, the available evidence is currently insufficient to determine the role of this variant in disease. Therefore, it has been classified as a Variant of Uncertain Significance.

NM_000553.6(WRN):c.1783A>G (p.Ile595Val)

Gene: WRN (WRN RecQ like helicase; plus strand). Cytogenetic location: 8p12.
Variant type: single nucleotide variant.
Coding change: c.1783A>G on transcript NM_000553.6 (MANE Select); coding-DNA position 1783, A replaced by G.
Protein change: p.Ile595Val; replaces isoleucine 595 with valine.
Molecular consequence: missense variant.
Genome position (GRCh38, 1-based): chr8:31,090,896, A>G. VCF-style: chr8-31090896-A-G. GRCh37 (hg19) VCF-style: chr8-30948412-A-G.
Other names: short protein forms I595V.
Identifiers: ClinVar variation 863637 (VCV000863637.6), dbSNP rs763482212, ClinGen allele CA370927899.